The following is an entry in ClinVar:

NM_000169.3(GLA):c.624G>T (p.Met208Ile)

Genes: GLA (galactosidase alpha; minus strand), RPL36A-HNRNPH2 (RPL36A-HNRNPH2 readthrough; plus strand). Cytogenetic location: Xq22.1.
Variant type: single nucleotide variant.
Coding change: c.624G>T on transcript NM_000169.3 (MANE Select); coding-DNA position 624, G replaced by T.
Protein change: p.Met208Ile; replaces methionine 208 with isoleucine.
Molecular consequence: missense variant. On other transcripts: non-coding transcript variant (2), intron variant (2).
Genome position (GRCh38, 1-based): chrX:101,400,681, C>A on the plus strand (G>T on the coding strand, the complement: GLA is on the minus strand). VCF-style: chrX-101400681-C-A. GRCh37 (hg19) VCF-style: chrX-100655669-C-A.
Other names: c.747G>T, p.Met249Ile (NM_001406747.1); c.624G>T, p.Met208Ile (NM_001406748.1); c.300+5224C>A (NM_001199973.2); c.177+8859C>A (NM_001199974.2); short protein forms M208I, M249I.
Identifiers: ClinVar variation 1332431 (VCV001332431.2), dbSNP rs1928280306, ClinGen allele CA413927193.

ClinVar aggregate classification (germline): Uncertain significance (1 of 4 stars; one submission).

Conditions:
Fabry disease. Also called: Fabry's disease; Ceramide trihexosidosis; Angiokeratoma corporis diffusum; ALPHA-GALACTOSIDASE A DEFICIENCY; ANDERSON-FABRY DISEASE; CERAMIDE TRIHEXOSIDASE DEFICIENCY. Identifiers: Orphanet 324, MedGen C0002986, MONDO:0010526, OMIM 301500, HP:0001071. Disease mechanism: Fabry disease is due to inactivating mutations in the X-linked GLA gene resulting in deficiency of the enzyme Alpha Galactosidase-A., loss of function.

Submission:

Color Diagnostics, LLC DBA Color Health
Classification: Uncertain significance for Fabry disease. Last evaluated: 2021-03-09. Review status: criteria provided, single submitter. Criteria: ACMG Guidelines, 2015. Collection method: clinical testing. Allele origin: germline.
Comment: This missense variant replaces methionine with isoleucine at codon 208 of the GLA protein. Computational prediction suggests that this variant may not impact protein structure and function (internally defined REVEL score threshold <= 0.5, PMID: 27666373). A different DNA substitution (c.624G>A) resulting in the same amino acid change as this variant has shown reduced GLA enzyme activity when expressed in HEK293 cells (PMID: 32023956). This variant has not been reported in individuals affected with cardiovascular disorders in the literature. This variant has not been identified in the general population by the Genome Aggregation Database (gnomAD). The available evidence is insufficient to determine the role of this variant in disease conclusively. Therefore, this variant is classified as a Variant of Uncertain Significance.